The following is an entry in ClinVar:

NM_153700.2(STRC):c.4529T>C (p.Met1510Thr)

Gene: STRC (stereocilin; minus strand). Cytogenetic location: 15q15.3.
Variant type: single nucleotide variant.
Coding change: c.4529T>C on transcript NM_153700.2 (MANE Select); coding-DNA position 4529, T replaced by C.
Protein change: p.Met1510Thr; replaces methionine 1510 with threonine.
Molecular consequence: missense variant.
Genome position (GRCh38, 1-based): chr15:43,603,258, A>G on the plus strand (T>C on the coding strand, the complement: STRC is on the minus strand). VCF-style: chr15-43603258-A-G. GRCh37 (hg19) VCF-style: chr15-43895456-A-G.
Other names: short protein forms M1510T.
Identifiers: ClinVar variation 4979779 (VCV004979779.1).
Genomic context (GRCh38, chr15:43,603,258, plus strand): 5'-ATAGCTTCCTCATGGCCAACCCCAGTTGGCTCTCCATCCCTAACCTGTTTTGCTTTGCCC[A>G]TGGCTGCCCGCAGTTCCTCAGGCCCAAGTCCTGGGTCTCCTGCAAATAATGTCAGGCAGT-3'
Protein context (NP_714544.1, residues 1500-1520): GLGPEELRAA[Met1510Thr]GKAKQLWGPP

ClinVar aggregate classification (germline): Uncertain significance (1 of 4 stars; one submission).

Conditions:
STRC-related disorder. Also called: STRC-related condition.

Submission:

PreventionGenetics, part of Exact Sciences
Classification: Uncertain significance for STRC-related condition. Last evaluated: 2025-04-16. Review status: criteria provided, single submitter. Criteria: ACMG Guidelines, 2015. Collection method: clinical testing. Allele origin: germline.
Comment: The STRC c.4529T>C variant is predicted to result in the amino acid substitution p.Met1510Thr. To our knowledge, this variant has not been reported in the literature. This variant is reported in 0.044% of alleles in individuals of African descent in gnomAD. At this time, the clinical significance of this variant is uncertain due to the absence of conclusive functional and genetic evidence.